The following is an entry in ClinVar:

ClinVar aggregate classification (germline): Uncertain significance. Review status: criteria provided, multiple submitters, no conflicts (2 of 4 stars). 2 submissions from 2 submitters: Uncertain significance (2). Last evaluated 2025-04-04.

Conditions:
Inborn genetic diseases. Identifiers: MedGen C0950123, MeSH D030342.

Allele frequency attached by ClinVar (database versions not stated): ESP Exome Variant Server 0.00008; TOPMed 0.00004; gnomAD exomes below 0.00001; ExAC 0.00001; gnomAD 0.00005.
gnomAD v4.1: 9 of 1,614,014 alleles (0.00056%); highest among the groups gnomAD compares: African/African-American, 0.012%; no homozygotes.

Submissions (2):

Ambry Genetics
Classification: Uncertain significance for Inborn genetic diseases. Last evaluated: 2025-04-04. Review status: criteria provided, single submitter. Criteria: Ambry Variant Classification Scheme 2023. Collection method: clinical testing. Allele origin: germline.

Labcorp Genetics (formerly Invitae), Labcorp
Classification: Uncertain significance. Last evaluated: 2022-05-15. Review status: criteria provided, single submitter. Criteria: Invitae Variant Classification Sherloc (09022015). Collection method: clinical testing. Allele origin: germline.
Comment: In summary, the available evidence is currently insufficient to determine the role of this variant in disease. Therefore, it has been classified as a Variant of Uncertain Significance. Algorithms developed to predict the effect of sequence changes on RNA splicing suggest that this variant may create or strengthen a splice site. Algorithms developed to predict the effect of missense changes on protein structure and function are either unavailable or do not agree on the potential impact of this missense change (SIFT: "Deleterious"; PolyPhen-2: "Possibly Damaging"; Align-GVGD: "Class C15"). This variant has not been reported in the literature in individuals affected with CDK5RAP2-related conditions. This variant is present in population databases (rs148457080, gnomAD 0.02%). This sequence change replaces serine, which is neutral and polar, with phenylalanine, which is neutral and non-polar, at codon 945 of the CDK5RAP2 protein (p.Ser945Phe).

NM_018249.6(CDK5RAP2):c.2834C>T (p.Ser945Phe)

Gene: CDK5RAP2 (CDK5 regulatory subunit associated protein 2; minus strand). Cytogenetic location: 9q33.2.
Variant type: single nucleotide variant.
Coding change: c.2834C>T on transcript NM_018249.6 (MANE Select); coding-DNA position 2834, C replaced by T.
Protein change: p.Ser945Phe; replaces serine 945 with phenylalanine.
Molecular consequence: missense variant. On other transcripts: non-coding transcript variant (5).
Genome position (GRCh38, 1-based): chr9:120,448,086, G>A on the plus strand (C>T on the coding strand, the complement: CDK5RAP2 is on the minus strand). VCF-style: chr9-120448086-G-A. GRCh37 (hg19) VCF-style: chr9-123210364-G-A.
Other names: c.2834C>T, p.Ser945Phe (NM_001011649.3); c.2144C>T, p.Ser715Phe (NM_001272039.2); c.2735C>T, p.Ser912Phe (NM_001410992.1); c.2738C>T, p.Ser913Phe (NM_001410993.1); c.2831C>T, p.Ser944Phe (NM_001410994.1); c.2834C>T (NM_018249.4); short protein forms S715F, S912F, S944F, S913F, S945F.
Identifiers: ClinVar variation 1903480 (VCV001903480.5), dbSNP rs148457080, ClinGen allele CA5213975.